The following is an entry in ClinVar:

ClinVar aggregate classification (germline): Uncertain significance (1 of 4 stars; one submission).

Conditions:
Neurodevelopmental disorder with nonspecific brain abnormalities and with or without seizures. Identifiers: MedGen C5231470, MONDO:0032877, OMIM 618709.

Submission:

Laboratorio de Genetica e Diagnostico Molecular, Hospital Israelita Albert Einstein
Classification: Uncertain significance for Neurodevelopmental disorder with nonspecific brain abnormalities and with or without seizures. Last evaluated: 2025-02-28. Review status: criteria provided, single submitter. Criteria: ACMG Guidelines, 2015. Collection method: clinical testing. Allele origin: germline. Affected: yes.
Comment: ACMG classification criteria: PM2 supporting, PP3 supporting

NM_005618.4(DLL1):c.1651G>T (p.Gly551Trp)

Gene: DLL1 (delta like canonical Notch ligand 1; minus strand). Cytogenetic location: 6q27.
Variant type: single nucleotide variant.
Coding change: c.1651G>T on transcript NM_005618.4 (MANE Select); coding-DNA position 1651, G replaced by T.
Protein change: p.Gly551Trp; replaces glycine 551 with tryptophan.
Molecular consequence: missense variant.
Genome position (GRCh38, 1-based): chr6:170,283,628, C>A on the plus strand (G>T on the coding strand, the complement: DLL1 is on the minus strand). VCF-style: chr6-170283628-C-A. GRCh37 (hg19) VCF-style: chr6-170592716-C-A.
Other names: short protein forms G551W.
Identifiers: ClinVar variation 3901956 (VCV003901956.1).